The following is an entry in ClinVar:

NM_001563.4(IMPG1):c.1292-7T>G

Gene: IMPG1 (interphotoreceptor matrix proteoglycan 1; minus strand). Cytogenetic location: 6q14.1.
Variant type: single nucleotide variant.
Coding change: c.1292-7T>G on transcript NM_001563.4 (MANE Select); 7 bases into the intron before coding-DNA position 1292, T replaced by G.
Molecular consequence: intron variant.
Genome position (GRCh38, 1-based): chr6:75,951,101, A>C on the plus strand (T>G on the coding strand, the complement: IMPG1 is on the minus strand). VCF-style: chr6-75951101-A-C. GRCh37 (hg19) VCF-style: chr6-76660818-A-C.
Other names: c.1058-7T>G (NM_001282368.2).
Identifiers: ClinVar variation 770926 (VCV000770926.35), dbSNP rs144453358, ClinGen allele CA3898147.

ClinVar aggregate classification (germline): Benign/Likely benign. Review status: criteria provided, multiple submitters, no conflicts (2 of 4 stars). 2 submissions from 2 submitters: Benign (1); Likely benign (1). Last evaluated 2026-02-01.

Allele frequency attached by ClinVar (database versions not stated): 1000 Genomes Project 30x 0.00016; 1000 Genomes Project 0.00020; ExAC 0.00431; gnomAD exomes 0.00441 and 0.00766; TOPMed 0.00470; gnomAD 0.00494 and 0.00513; ESP Exome Variant Server 0.00654.
gnomAD v4.1: 11,600 of 1,578,184 alleles (0.74%); highest among the groups gnomAD compares: Non-Finnish European, 0.92%; 64 homozygotes.

Submissions (5):

Labcorp Genetics (formerly Invitae), Labcorp
Classification: Benign. Last evaluated: 2026-02-01. Review status: criteria provided, single submitter. Criteria: Invitae Variant Classification Sherloc (09022015). Collection method: clinical testing. Allele origin: germline.

CeGaT Center for Human Genetics Tuebingen
Classification: Likely benign. Last evaluated: 2023-01-01. Review status: criteria provided, single submitter. Criteria: CeGaT Center For Human Genetics Tuebingen Variant Classification Criteria Version 2. Collection method: clinical testing. Allele origin: germline. Affected: yes. Observed: 2 variant alleles.
Comment: IMPG1: BP4, BS2

Dr. Peter K. Rogan Lab, Western University
No classification provided (evidence only). Condition: Lung cancer. Review status: no classification provided. Collection method: in vitro. Allele origin: not applicable. Functional consequence: retained intron. Not counted in ClinVar's aggregate classification.

Dr. Peter K. Rogan Lab, Western University
No classification provided (evidence only). Condition: Familial cancer of breast. Review status: no classification provided. Collection method: in vitro. Allele origin: not applicable. Functional consequence: retained intron. Not counted in ClinVar's aggregate classification.

Dr. Peter K. Rogan Lab, Western University
No classification provided (evidence only). Condition: Ovarian serous cystadenocarcinoma. Review status: no classification provided. Collection method: in vitro. Allele origin: not applicable. Functional consequence: retained intron. Not counted in ClinVar's aggregate classification.